The following is an entry in ClinVar:

NM_033305.3(VPS13A):c.994del (p.Ala332fs)

Gene: VPS13A (vacuolar protein sorting 13 homolog A; plus strand). Cytogenetic location: 9q21.2.
Variant type: Deletion.
Coding change: c.994del on transcript NM_033305.3 (MANE Select); coding-DNA position 994, one base deleted (G; older notation c.994delG).
Protein change: p.Ala332fs; shifts the reading frame from alanine 332.
Molecular consequence: frameshift variant.
Genome position (GRCh38, 1-based): chr9:77,221,189, G deleted; the last of 3 consecutive G bases (chr9:77,221,187-77,221,189); deleting any one gives the same sequence. VCF-style (leftmost placement, unchanged base first): chr9-77221186-TG-T. GRCh37 (hg19) VCF-style: chr9-79836102-TG-T.
Other names: c.994del, p.Ala332fs (NM_001018037.2, NM_001018038.3, NM_015186.4); c.994delG (NM_033305.2); short protein forms A332fs.
Identifiers: ClinVar variation 1076265 (VCV001076265.11), dbSNP rs1353432136, ClinGen allele CA588651229.

ClinVar aggregate classification (germline): Pathogenic/Likely pathogenic. Review status: criteria provided, multiple submitters, no conflicts (2 of 4 stars). 3 submissions from 3 submitters: Pathogenic (2); Likely pathogenic (1). Last evaluated 2024-05-14.

Conditions:
VPS13A-related neurodegenerative disease. Also called: ACANTHOCYTOSIS WITH NEUROLOGIC DISORDER; LEVINE-CRITCHLEY SYNDROME; Choreoacanthocytosis; Chorea-acanthocytosis; VPS13A Disease; Choreaacanthocytosis. Identifiers: Orphanet 2388, MedGen C0393576, MONDO:0008695, OMIM 200150.

Submissions (3):

Myriad Genetics, Inc.
Classification: Pathogenic for VPS13A-related neurodegenerative disease. Last evaluated: 2024-05-14. Review status: criteria provided, single submitter. Criteria: Myriad Autosomal Dominant, Autosomal Recessive and X-Linked Classification Criteria (2023). Collection method: clinical testing. Allele origin: unknown.
Comment: NM_033305.2(VPS13A):c.994delG(A332Lfs*10) is expected to be pathogenic in the context of VPS13A disease. This variant is predicted to lead to an abnormal or absent protein product due to the creation of a premature termination codon in VPS13A, a gene where loss-of-function variants are known to be pathogenic. Please note: this variant was assessed in the context of healthy population screening.

Natera, Inc.
Classification: Likely pathogenic for Choreaacanthocytosis. Last evaluated: 2024-02-28. Review status: criteria provided, single submitter. Criteria: Natera Variant Classification Schema (03/2026). Collection method: clinical testing. Allele origin: germline.
Comment: The c.994delG variant in VPS13A is a frameshift variant predicted to shift the reading frame beginning at codon 332 and leads to a stop codon 10 codons downstream. This variant is expected to result in nonsense mediated decay, truncation, or a dysfunctional protein product. This variant is rare in the general population with a frequency below the threshold expected for the associated phenotype(s). Given the available evidence, this variant is classified as Likely Pathogenic.

Labcorp Genetics (formerly Invitae), Labcorp
Classification: Pathogenic. Last evaluated: 2020-01-15. Review status: criteria provided, single submitter. Criteria: Invitae Variant Classification Sherloc (09022015). Collection method: clinical testing. Allele origin: germline.
Comment: For these reasons, this variant has been classified as Pathogenic. Loss-of-function variants in VPS13A are known to be pathogenic (PMID: 12404112, 21598378). This sequence change creates a premature translational stop signal (p.Ala332Leufs*10) in the VPS13A gene. It is expected to result in an absent or disrupted protein product. This variant is not present in population databases (ExAC no frequency). This variant has been observed in individual(s) with chorea-acanthocytosis (PMID: 12404112).

Literature cited by the submitters: PubMed 12404112 (cited by Labcorp Genetics (formerly Invitae), Labcorp); PubMed 21598378 (cited by Labcorp Genetics (formerly Invitae), Labcorp).